The following is an entry in ClinVar:

NC_000020.10:g.(?_49354394)_(49626875_?)del

Genes: ADNP (activity dependent neuroprotector homeobox; minus strand), BCAS4 (breast carcinoma amplified sequence 4; plus strand), DPM1 (dolichyl-phosphate mannosyltransferase subunit 1, catalytic; minus strand), KCNG1 (potassium voltage-gated channel modifier subfamily G member 1; minus strand), MOCS3 (molybdenum cofactor synthesis 3; plus strand) and 1 more. Cytogenetic location: 20q13.13.
Variant type: Deletion.
Identifiers: ClinVar variation 1456498 (VCV001456498.7).

ClinVar aggregate classification (germline): Pathogenic (1 of 4 stars; one submission).

Submission:

Labcorp Genetics (formerly Invitae), Labcorp
Classification: Pathogenic. Last evaluated: 2021-01-11. Review status: criteria provided, single submitter. Criteria: Invitae Variant Classification Sherloc (09022015). Collection method: clinical testing. Allele origin: germline.
Comment: For these reasons, this variant has been classified as Pathogenic. Isolated whole-gene deletions of ADNP have not been reported in the literature. However, larger copy number events that include this gene have been reported (PMID: 24531329). A gross deletion of the genomic region encompassing the full coding sequence of the ADNP gene has been identified. Loss-of-function variants in ADNP are known to be pathogenic (PMID: 29724491, 30106381). The boundaries of this event are unknown as they extend beyond the assayed region for this gene and therefore may encompass additional genes.

Literature cited by the submitters: PubMed 24531329; PubMed 29724491; PubMed 30106381.